The following is an entry in ClinVar:

NM_000051.4(ATM):c.589G>A (p.Gly197Arg)

Gene: ATM (ATM serine/threonine kinase; plus strand). Cytogenetic location: 11q22.3.
Variant type: single nucleotide variant.
Coding change: c.589G>A on transcript NM_000051.4 (MANE Select); coding-DNA position 589, G replaced by A.
Protein change: p.Gly197Arg; replaces glycine 197 with arginine.
Molecular consequence: missense variant.
Genome position (GRCh38, 1-based): chr11:108,244,045, G>A. VCF-style: chr11-108244045-G-A. GRCh37 (hg19) VCF-style: chr11-108114772-G-A.
Other names: c.589G>A, p.Gly197Arg (NM_001351834.2); short protein forms G197R.
Identifiers: ClinVar variation 230853 (VCV000230853.17), dbSNP rs764080545, ClinGen allele CA6264633.

ClinVar aggregate classification (germline): Uncertain significance. Review status: criteria provided, multiple submitters, no conflicts (2 of 4 stars). 4 submissions from 4 submitters: Uncertain significance (4). Last evaluated 2024-08-20.

Conditions:
Hereditary cancer-predisposing syndrome. Also called: Hereditary Cancer Syndrome; Neoplastic Syndromes, Hereditary; Tumor predisposition; Hereditary neoplastic syndrome. Identifiers: Orphanet 140162, MedGen C0027672, MeSH D009386, MONDO:0015356.
Ataxia-telangiectasia syndrome (AT). Also called: Ataxia telangiectasia (A-T); Ataxia-telangiectasia, complementation group E; LOUIS-BAR SYNDROME; Cerebello-oculocutaneous telangiectasia; Immunodeficiency with ataxia telangiectasia; Ataxia-telangiectasia, complementation group D. Identifiers: Orphanet 100, MedGen C0004135, MONDO:0008840, OMIM 208900.
Familial cancer of breast. Also called: Hereditary breast cancer; hereditary breast carcinoma; BREAST CANCER, FAMILIAL. Identifiers: Orphanet 227535, MedGen C0346153, MONDO:0016419, OMIM 114480. Disease mechanism: loss of function.

Allele frequency attached by ClinVar (database versions not stated): gnomAD exomes below 0.00001; ExAC 0.00001.
gnomAD v4.1: 1 of 1,613,384 alleles (0.000062%); highest among the groups gnomAD compares: Non-Finnish European, 0.000085%; no homozygotes.

Submissions (4):

Ambry Genetics
Classification: Uncertain significance for Hereditary cancer-predisposing syndrome. Last evaluated: 2024-08-20. Review status: criteria provided, single submitter. Criteria: Ambry Variant Classification Scheme 2023. Collection method: clinical testing. Allele origin: germline.
Comment: The p.G197R variant (also known as c.589G>A), located in coding exon 5 of the ATM gene, results from a G to A substitution at nucleotide position 589. The glycine at codon 197 is replaced by arginine, an amino acid with dissimilar properties. This amino acid position is highly conserved in available vertebrate species. In addition, this alteration is predicted to be deleterious by in silico analysis Based on the available evidence, the clinical significance of this variant remains unclear.

Labcorp Genetics (formerly Invitae), Labcorp
Classification: Uncertain significance for Ataxia-telangiectasia syndrome. Last evaluated: 2024-06-07. Review status: criteria provided, single submitter. Criteria: Invitae Variant Classification Sherloc (09022015). Collection method: clinical testing. Allele origin: germline.
Comment: This sequence change replaces glycine, which is neutral and non-polar, with arginine, which is basic and polar, at codon 197 of the ATM protein (p.Gly197Arg). This variant is present in population databases (rs764080545, gnomAD 0.0009%). This variant has not been reported in the literature in individuals affected with ATM-related conditions. This suggests that this variant may not be disease-causing. ClinVar contains an entry for this variant (Variation ID: 230853). An algorithm developed to predict the effect of missense changes on protein structure and function (PolyPhen-2) suggests that this variant is likely to be disruptive. In summary, the available evidence is currently insufficient to determine the role of this variant in disease. Therefore, it has been classified as a Variant of Uncertain Significance.

Baylor Genetics
Classification: Uncertain significance for Familial cancer of breast. Last evaluated: 2024-03-09. Review status: criteria provided, single submitter. Criteria: ACMG Guidelines, 2015. Collection method: clinical testing. Allele origin: unknown.

GeneDx
Classification: Uncertain significance. Last evaluated: 2015-11-24. Review status: criteria provided, single submitter. Criteria: GeneDx Variant Classification (06012015). Collection method: clinical testing. Allele origin: germline. Affected: yes.
Comment: This variant is denoted ATM c.589G>A at the cDNA level, p.Gly197Arg (G197R) at the protein level, and results in the change of a Glycine to an Arginine (GGA>AGA). This variant has not, to our knowledge, been published in the literature as pathogenic or benign. ATM Gly197Arg was not observed in approximately 6,500 individuals of European and African American ancestry in the NHLBI Exome Sequencing Project, suggesting it is not a common benign variant in these populations. Since Glycine and Arginine differ in polarity, charge, size or other properties, this is considered a non-conservative amino acid substitution. ATM Gly197Arg occurs at a position that is conserved across species and is not located in a known functional domain (Tavtigian 2009, Stracker 2013). In silico analyses predict that this variant is probably damaging to protein structure and function. Based on currently available evidence, it is unclear whether ATM Gly197Arg is a pathogenic or benign variant. We consider it to be a variant of uncertain significance.